The following is an entry in ClinVar:

ClinVar aggregate classification (germline): Uncertain significance (1 of 4 stars; one submission).

gnomAD v4.1: 13 of 1,611,474 alleles (0.00081%); highest among the groups gnomAD compares: Non-Finnish European, 0.0011%; no homozygotes.

Submission:

Labcorp Genetics (formerly Invitae), Labcorp
Classification: Uncertain significance. Last evaluated: 2025-03-26. Review status: criteria provided, single submitter. Criteria: Invitae Variant Classification Sherloc (09022015). Collection method: clinical testing. Allele origin: germline.
Comment: This sequence change replaces arginine, which is basic and polar, with threonine, which is neutral and polar, at codon 715 of the JAK2 protein (p.Arg715Thr). This variant is not present in population databases (gnomAD no frequency). This missense change has been observed in individual(s) with erythrocytosis (PMID: 38629639). Invitae Evidence Modeling of protein sequence and biophysical properties (such as structural, functional, and spatial information, amino acid conservation, physicochemical variation, residue mobility, and thermodynamic stability) has been performed for this missense variant. However, the output from this modeling did not meet the statistical confidence thresholds required to predict the impact of this variant on JAK2 protein function. Experimental studies have shown that this missense change affects JAK2 function (PMID: 38629639). In summary, the available evidence is currently insufficient to determine the role of this variant in disease. Therefore, it has been classified as a Variant of Uncertain Significance.

Literature cited by the submitters: PubMed 38629639.

NM_004972.4(JAK2):c.2144G>C (p.Arg715Thr)

Genes: INSL6 (insulin like 6; minus strand), JAK2 (Janus kinase 2; plus strand). Cytogenetic location: 9p24.1.
Variant type: single nucleotide variant.
Coding change: c.2144G>C on transcript NM_004972.4 (MANE Select); coding-DNA position 2144, G replaced by C.
Protein change: p.Arg715Thr; replaces arginine 715 with threonine.
Molecular consequence: missense variant. On other transcripts: non-coding transcript variant (2).
Genome position (GRCh38, 1-based): chr9:5,080,241, G>C. VCF-style: chr9-5080241-G-C. GRCh37 (hg19) VCF-style: chr9-5080241-G-C.
Other names: c.2144G>C, p.Arg715Thr (NM_001322194.2, NM_001322195.2, NM_001322196.2); c.929G>C, p.Arg310Thr (NM_001322198.2, NM_001322199.2); c.1697G>C, p.Arg566Thr (NM_001322204.2); short protein forms R310T, R566T, R715T.
Identifiers: ClinVar variation 4803727 (VCV004803727.1).